The following is an entry in ClinVar:

ClinVar aggregate classification (germline): Uncertain significance. Review status: criteria provided, multiple submitters, no conflicts (2 of 4 stars). 2 submissions from 2 submitters: Uncertain significance (2). Last evaluated 2026-01-11.

Allele frequency attached by ClinVar (database versions not stated): gnomAD 0.00001; TOPMed 0.00001; gnomAD exomes 0.00002.
gnomAD v4.1: 25 of 1,613,754 alleles (0.0015%); highest among the groups gnomAD compares: Non-Finnish European, 0.0021%; no homozygotes.

Submissions (2):

Labcorp Genetics (formerly Invitae), Labcorp
Classification: Uncertain significance. Last evaluated: 2026-01-11. Review status: criteria provided, single submitter. Criteria: Invitae Variant Classification Sherloc (09022015). Collection method: clinical testing. Allele origin: germline.
Comment: This sequence change replaces glutamic acid, which is acidic and polar, with lysine, which is basic and polar, at codon 95 of the MYLK3 protein (p.Glu95Lys). This variant is present in population databases (no rsID available, gnomAD 0.0009%). This variant has not been reported in the literature in individuals affected with MYLK3-related conditions. ClinVar contains an entry for this variant (Variation ID: 1935157). An algorithm developed to predict the effect of missense changes on protein structure and function (PolyPhen-2) suggests that this variant is likely to be tolerated. In summary, the available evidence is currently insufficient to determine the role of this variant in disease. Therefore, it has been classified as a Variant of Uncertain Significance.

Ambry Genetics
Classification: Uncertain significance. Last evaluated: 2025-11-19. Review status: criteria provided, single submitter. Criteria: Ambry Variant Classification Scheme 2023. Collection method: clinical testing. Allele origin: germline.

NM_182493.3(MYLK3):c.283G>A (p.Glu95Lys)

Gene: MYLK3 (myosin light chain kinase 3; minus strand). Cytogenetic location: 16q11.2.
Variant type: single nucleotide variant.
Coding change: c.283G>A on transcript NM_182493.3 (MANE Select); coding-DNA position 283, G replaced by A.
Protein change: p.Glu95Lys; replaces glutamic acid 95 with lysine.
Molecular consequence: missense variant. On other transcripts: intron variant (1).
Genome position (GRCh38, 1-based): chr16:46,747,911, C>T on the plus strand (G>A on the coding strand, the complement: MYLK3 is on the minus strand). VCF-style: chr16-46747911-C-T. GRCh37 (hg19) VCF-style: chr16-46781823-C-T.
Other names: c.283G>A (NM_182493.2); c.-113-7764G>A (NM_001308301.1); short protein forms E95K.
Identifiers: ClinVar variation 1935157 (VCV001935157.6), dbSNP rs1294864043, ClinGen allele CA395798008.
Genomic context (GRCh38, chr16:46,747,911, plus strand): 5'-AGAGGGCCTCCAGCCTGGCACCGTGCTGGGCCGCATCCTGCTGCATGGCCCTCACCAGCT[C>T]CAGGACCTCGGGCCACCCAGCCTGGGTGTCAATGTGGGGAACCCCATCAGCCCCGCCCGG-3'
Protein context (NP_872299.2, residues 85-105): DTQAGWPEVL[Glu95Lys]LVRAMQQDAA